The following is an entry in ClinVar:

ClinVar aggregate classification (germline): Uncertain significance (1 of 4 stars; one submission).

Conditions:
Long QT syndrome (LQTS). Identifiers: MedGen C0023976, MeSH D008133, MONDO:0002442. Disease mechanism: loss of function. Inheritance: Various modes of inheritance.

Submission:

Labcorp Genetics (formerly Invitae), Labcorp
Classification: Uncertain significance for Long QT syndrome. Last evaluated: 2025-06-20. Review status: criteria provided, single submitter. Criteria: Invitae Variant Classification Sherloc (09022015). Collection method: clinical testing. Allele origin: germline.
Comment: This sequence change replaces leucine, which is neutral and non-polar, with arginine, which is basic and polar, at codon 1015 of the CACNA1C protein (p.Leu1015Arg). This variant is not present in population databases (gnomAD no frequency). This variant has not been reported in the literature in individuals affected with CACNA1C-related conditions. Invitae Evidence Modeling of protein sequence and biophysical properties (such as structural, functional, and spatial information, amino acid conservation, physicochemical variation, residue mobility, and thermodynamic stability) indicates that this missense variant is expected to disrupt CACNA1C protein function with a positive predictive value of 95%. In summary, the available evidence is currently insufficient to determine the role of this variant in disease. Therefore, it has been classified as a Variant of Uncertain Significance.

NM_000719.7(CACNA1C):c.3044T>G (p.Leu1015Arg)

Gene: CACNA1C (calcium voltage-gated channel subunit alpha1 C; plus strand). Cytogenetic location: 12p13.33.
Variant type: single nucleotide variant.
Coding change: c.3044T>G on transcript NM_000719.7 (MANE Select); coding-DNA position 3044, T replaced by G.
Protein change: p.Leu1015Arg; replaces leucine 1015 with arginine.
Molecular consequence: missense variant.
Genome position (GRCh38, 1-based): chr12:2,605,164, T>G. VCF-style: chr12-2605164-T-G. GRCh37 (hg19) VCF-style: chr12-2714330-T-G.
Other names: c.3104T>G, p.Leu1035Arg (NM_001129827.2, NM_001129832.2, NM_199460.4); c.3044T>G, p.Leu1015Arg (NM_001129829.2, NM_001129830.3, NM_001129831.2 and 15 more transcripts); c.3035T>G, p.Leu1012Arg (NM_001129844.2); short protein forms L1015R, L1035R, L1012R.
Identifiers: ClinVar variation 4745779 (VCV004745779.1).